The following is an entry in ClinVar:

NM_024675.4(PALB2):c.81A>G (p.Glu27=)

Gene: PALB2 (partner and localizer of BRCA2; minus strand). Cytogenetic location: 16p12.2.
Variant type: single nucleotide variant.
Coding change: c.81A>G on transcript NM_024675.4 (MANE Select); coding-DNA position 81, A replaced by G.
Protein change: p.Glu27=; no amino-acid change (glutamic acid 27 retained).
Molecular consequence: synonymous variant.
Genome position (GRCh38, 1-based): chr16:23,638,097, T>C on the plus strand (A>G on the coding strand, the complement: PALB2 is on the minus strand). VCF-style: chr16-23638097-T-C. GRCh37 (hg19) VCF-style: chr16-23649418-T-C.
Identifiers: ClinVar variation 1539349 (VCV001539349.12), dbSNP rs2142460493, ClinGen allele CA494168009.

ClinVar aggregate classification (germline): Benign/Likely benign. Review status: criteria provided, multiple submitters, no conflicts (2 of 4 stars). 3 submissions from 3 submitters: Benign (1); Likely benign (2). Last evaluated 2025-08-29.

Conditions:
Hereditary cancer-predisposing syndrome. Also called: Hereditary Cancer Syndrome; Tumor predisposition; Neoplastic Syndromes, Hereditary; Hereditary neoplastic syndrome. Identifiers: Orphanet 140162, MedGen C0027672, MeSH D009386, MONDO:0015356.
Familial cancer of breast. Also called: hereditary breast carcinoma; BREAST CANCER, FAMILIAL; Hereditary breast cancer. Identifiers: Orphanet 227535, MedGen C0346153, MONDO:0016419, OMIM 114480. Disease mechanism: loss of function.

Allele frequency attached by ClinVar (database versions not stated): gnomAD exomes below 0.00001.
gnomAD v4.1: 1 of 1,614,086 alleles (0.000062%); highest among the groups gnomAD compares: South Asian, 0.0011%; no homozygotes.

Submissions (3):

Labcorp Genetics (formerly Invitae), Labcorp
Classification: Likely benign for Familial cancer of breast. Last evaluated: 2025-08-29. Review status: criteria provided, single submitter. Criteria: Invitae Variant Classification Sherloc (09022015). Collection method: clinical testing. Allele origin: germline.

Myriad Genetics, Inc.
Classification: Benign for Familial cancer of breast. Last evaluated: 2025-01-09. Review status: criteria provided, single submitter. Criteria: Myriad Autosomal Dominant, Autosomal Recessive and X-Linked Classification Criteria (2023). Collection method: clinical testing. Allele origin: unknown.
Comment: This variant is considered benign. This variant is a silent/synonymous amino acid change and it is not expected to impact splicing.

Ambry Genetics
Classification: Likely benign for Hereditary cancer-predisposing syndrome. Last evaluated: 2015-10-02. Review status: criteria provided, single submitter. Criteria: Ambry Variant Classification Scheme 2023. Collection method: clinical testing. Allele origin: germline.